The following is an entry in ClinVar:

NM_000051.4(ATM):c.2553T>G (p.Asp851Glu)

Gene: ATM (ATM serine/threonine kinase; plus strand). Cytogenetic location: 11q22.3.
Variant type: single nucleotide variant.
Coding change: c.2553T>G on transcript NM_000051.4 (MANE Select); coding-DNA position 2553, T replaced by G.
Protein change: p.Asp851Glu; replaces aspartic acid 851 with glutamic acid.
Molecular consequence: missense variant.
Genome position (GRCh38, 1-based): chr11:108,267,257, T>G. VCF-style: chr11-108267257-T-G. GRCh37 (hg19) VCF-style: chr11-108137984-T-G.
Other names: c.2553T>G, p.Asp851Glu (NM_001351834.2); short protein forms D851E.
Identifiers: ClinVar variation 418904 (VCV000418904.18), dbSNP rs1064793513, ClinGen allele CA16619142.

ClinVar aggregate classification (germline): Conflicting classifications of pathogenicity. Review status: criteria provided, conflicting classifications (1 of 4 stars). 5 submissions from 5 submitters: Uncertain significance (4); Likely benign (1). Last evaluated 2026-01-13.

Conditions:
Hereditary cancer-predisposing syndrome. Also called: Hereditary neoplastic syndrome; Hereditary Cancer Syndrome; Neoplastic Syndromes, Hereditary; Tumor predisposition. Identifiers: Orphanet 140162, MedGen C0027672, MeSH D009386, MONDO:0015356.
Familial cancer of breast. Also called: hereditary breast carcinoma; Hereditary breast cancer; BREAST CANCER, FAMILIAL. Identifiers: Orphanet 227535, MedGen C0346153, MONDO:0016419, OMIM 114480. Disease mechanism: loss of function.
Ataxia-telangiectasia syndrome (AT). Also called: Ataxia-telangiectasia, complementation group D; Cerebello-oculocutaneous telangiectasia; Immunodeficiency with ataxia telangiectasia; ATAXIA-TELANGIECTASIA, COMPLEMENTATION GROUP A; ATAXIA-TELANGIECTASIA, FRESNO VARIANT; LOUIS-BAR SYNDROME. Identifiers: Orphanet 100, MedGen C0004135, MONDO:0008840, OMIM 208900.

Allele frequency attached by ClinVar (database versions not stated): gnomAD exomes below 0.00001 and 0.00001; TOPMed 0.00001.
gnomAD v4.1: 3 of 1,614,018 alleles (0.00019%); highest among the groups gnomAD compares: Non-Finnish European, 0.00025%; no homozygotes.

Submissions (5):

Labcorp Genetics (formerly Invitae), Labcorp
Classification: Uncertain significance for Ataxia-telangiectasia syndrome. Last evaluated: 2026-01-13. Review status: criteria provided, single submitter. Criteria: Invitae Variant Classification Sherloc (09022015). Collection method: clinical testing. Allele origin: germline.
Comment: This sequence change replaces aspartic acid, which is acidic and polar, with glutamic acid, which is acidic and polar, at codon 851 of the ATM protein (p.Asp851Glu). This variant is present in population databases (no rsID available, gnomAD 0.0009%). This variant has not been reported in the literature in individuals affected with ATM-related conditions. ClinVar contains an entry for this variant (Variation ID: 418904). Invitae Evidence Modeling of protein sequence and biophysical properties (such as structural, functional, and spatial information, amino acid conservation, physicochemical variation, residue mobility, and thermodynamic stability) indicates that this missense variant is not expected to disrupt ATM protein function with a negative predictive value of 95%. In summary, the available evidence is currently insufficient to determine the role of this variant in disease. Therefore, it has been classified as a Variant of Uncertain Significance.

Ambry Genetics
Classification: Likely benign for Hereditary cancer-predisposing syndrome. Last evaluated: 2024-03-14. Review status: criteria provided, single submitter. Criteria: Ambry Variant Classification Scheme 2023. Collection method: clinical testing. Allele origin: germline.

Color Diagnostics, LLC DBA Color Health
Classification: Uncertain significance for Hereditary cancer-predisposing syndrome. Last evaluated: 2023-12-04. Review status: criteria provided, single submitter. Criteria: ACMG Guidelines, 2015. Collection method: clinical testing. Allele origin: germline.
Comment: This missense variant replaces aspartic acid with glutamic acid at codon 851 of the ATM protein. Computational prediction suggests that this variant may not impact protein structure and function (internally defined REVEL score threshold <= 0.5, PMID: 27666373). To our knowledge, functional studies have not been reported for this variant. This variant has not been reported in individuals affected with ATM-related disorders in the literature. This variant has been identified in 1/251414 chromosomes in the general population by the Genome Aggregation Database (gnomAD). The available evidence is insufficient to determine the role of this variant in disease conclusively. Therefore, this variant is classified as a Variant of Uncertain Significance.

Baylor Genetics
Classification: Uncertain significance for Familial cancer of breast. Last evaluated: 2023-05-04. Review status: criteria provided, single submitter. Criteria: ACMG Guidelines, 2015. Collection method: clinical testing. Allele origin: unknown.

GeneDx
Classification: Uncertain significance. Last evaluated: 2020-11-19. Review status: criteria provided, single submitter. Criteria: GeneDx Variant Classification Process June 2021. Collection method: clinical testing. Allele origin: germline. Affected: yes.
Comment: Not observed at a significant frequency in large population cohorts (Lek 2016); In silico analysis supports that this missense variant does not alter protein structure/function; Has not been previously published as pathogenic or benign to our knowledge